The following is an entry in ClinVar:

ClinVar aggregate classification (germline): Uncertain significance (1 of 4 stars; one submission).

Conditions:
Hereditary cancer-predisposing syndrome. Also called: Hereditary Cancer Syndrome; Hereditary neoplastic syndrome; Neoplastic Syndromes, Hereditary; Tumor predisposition. Identifiers: Orphanet 140162, MedGen C0027672, MeSH D009386, MONDO:0015356.

Submission:

Ambry Genetics
Classification: Uncertain significance for Hereditary cancer-predisposing syndrome. Last evaluated: 2026-07-28. Review status: criteria provided, single submitter. Criteria: Ambry Variant Classification Scheme 2023. Collection method: clinical testing. Allele origin: germline.
Comment: The p.C697Y variant (also known as c.2090G>A), located in coding exon 7 of the MET gene, results from a G to A substitution at nucleotide position 2090. The cysteine at codon 697 is replaced by tyrosine, an amino acid with highly dissimilar properties. This amino acid position is highly conserved in available vertebrate species. In addition, this alteration is predicted to be deleterious by in silico analysis. Based on the available evidence, the clinical significance of this variant remains unclear.

NM_000245.4(MET):c.2090G>A (p.Cys697Tyr)

Gene: MET (MET proto-oncogene, receptor tyrosine kinase; plus strand). Cytogenetic location: 7q31.2.
Variant type: single nucleotide variant.
Coding change: c.2090G>A on transcript NM_000245.4 (MANE Select); coding-DNA position 2090, G replaced by A.
Protein change: p.Cys697Tyr; replaces cysteine 697 with tyrosine.
Molecular consequence: missense variant.
Genome position (GRCh38, 1-based): chr7:116,757,762, G>A. VCF-style: chr7-116757762-G-A. GRCh37 (hg19) VCF-style: chr7-116397816-G-A.
Other names: c.2090G>A, p.Cys697Tyr (NM_001127500.3, NM_001324401.3); c.800G>A, p.Cys267Tyr (NM_001324402.2); short protein forms C267Y, C697Y.
Identifiers: ClinVar variation 2453398 (VCV002453398.3), dbSNP rs2485714660, ClinGen allele CA368980235.